The following is an entry in ClinVar:

ClinVar aggregate classification (germline): Likely benign. Review status: criteria provided, multiple submitters, no conflicts (2 of 4 stars). 14 submissions from 14 submitters: Likely benign (10). 4 of the submissions do not count toward it. Last evaluated 2026-09-21.

Conditions:
Cardiovascular phenotype. Identifiers: MedGen CN230736.
KCNQ1-related disorder. Also called: KCNQ1-related condition; KCNQ1-related disorders. Identifiers: MedGen CN239322.
Cardiac arrhythmia. Also called: Cardiac rhythm disease; Arrhythmia. Identifiers: MedGen C0003811, MONDO:0007263, HP:0011675.
Long QT syndrome (LQTS). Identifiers: MedGen C0023976, MeSH D008133, MONDO:0002442. Disease mechanism: loss of function. Inheritance: Various modes of inheritance.

Allele frequency attached by ClinVar (database versions not stated): TOPMed 0.00083; ESP Exome Variant Server 0.00108; gnomAD 0.00082 and 0.00091; 1000 Genomes Project 0.00120; 1000 Genomes Project 30x 0.00141.
gnomAD v4.1: 245 of 1,613,160 alleles (0.015%); highest among the groups gnomAD compares: African/African-American, 0.28%; 1 homozygote.

Submissions (14):

Molecular Diagnostic Laboratory for Inherited Cardiovascular Disease, Montreal Heart Institute
Classification: Likely benign. Last evaluated: 2026-09-21. Review status: criteria provided, single submitter. Criteria: ACMG Guidelines, 2015. Collection method: clinical testing. Allele origin: germline. Affected: no.
Comment: PM1_strong, PP2, BS1, BS3

Labcorp Genetics (formerly Invitae), Labcorp
Classification: Likely benign for Long QT syndrome. Last evaluated: 2026-01-28. Review status: criteria provided, single submitter. Criteria: Invitae Variant Classification Sherloc (09022015). Collection method: clinical testing. Allele origin: germline.

ARUP Laboratories, Molecular Genetics and Genomics, ARUP Laboratories
Classification: Likely benign. Last evaluated: 2025-04-08. Review status: criteria provided, single submitter. Criteria: ARUP Molecular Germline Variant Investigation Process 2024. Collection method: clinical testing. Allele origin: germline.

All of Us Research Program, National Institutes of Health
Classification: Likely benign for Long QT syndrome. Last evaluated: 2024-08-30. Review status: criteria provided, single submitter. Criteria: ACMG Guidelines, 2015. Collection method: clinical testing. Allele origin: germline. Inheritance: Autosomal dominant inheritance. Observed: 66 variant alleles, 66 heterozygotes.
Comment: This study involves interpretation of variants in research participants for the purpose of population health screening. Participant phenotype was not available at the time of variant classification. Additional details can be found in publication PMID: 35346344, PMCID: PMC8962531

Blueprint Genetics
Classification: Likely benign. Last evaluated: 2024-05-03. Review status: criteria provided, single submitter. Criteria: ACMG Guidelines, 2015. Collection method: clinical testing. Allele origin: germline.

GeneDx
Classification: Likely benign. Last evaluated: 2021-05-12. Review status: criteria provided, single submitter. Criteria: GeneDx Variant Classification Process June 2021. Collection method: clinical testing. Allele origin: germline. Affected: yes.
Comment: This variant is associated with the following publications: (PMID: 20421371, 22949429, 25119684, 14661677, 19841300, 29532034, 29557500, 28988457, 30571187, 19198868, 32797034)

Color Diagnostics, LLC DBA Color Health
Classification: Likely benign for Arrhythmia. Last evaluated: 2019-01-02. Review status: criteria provided, single submitter. Criteria: ACMG Guidelines, 2015. Collection method: clinical testing. Allele origin: germline.

Ambry Genetics
Classification: Likely benign for Cardiovascular phenotype. Last evaluated: 2018-10-31. Review status: criteria provided, single submitter. Criteria: Ambry Variant Classification Scheme 2023. Collection method: clinical testing. Allele origin: germline.

Center for Pediatric Genomic Medicine, Children's Mercy Hospital and Clinics
Classification: Likely benign. Last evaluated: 2017-04-17. Review status: criteria provided, single submitter. Criteria: ACMG Guidelines, 2015. Collection method: clinical testing. Allele origin: germline.

Laboratory for Molecular Medicine, Mass General Brigham Personalized Medicine
Classification: Likely benign. Last evaluated: 2012-12-19. Review status: criteria provided, single submitter. Criteria: LMM Criteria. Collection method: clinical testing. Allele origin: germline. Observed: 1 variant allele.
Comment: Val207Met in exon 4 of KCNQ1: This variant was initially identified in 1/17 indi viduals with sudden unexplained death and in 0.01% (2/1188) control chromosomes (Ackerman 2003, Nishio 2009). Although a mouse model showed prolonged-QT interva ls with homozygosity of the variant (Nishio 2009), clinical disease was not docu mented. Follow-up studies showed that function of the Val207Met KCNQ1 protein is comparable to wild-type (Eldstrom 2010). In addition, the variant has subsequen tly been observed in 0.3% (14/4402) of African American chromosomes from a broad population by the NHLBI Exome Sequencing Project as well as 1.7% (3/176) of ind ividuals of Yoruba descent (dbSNP rs75813654) . Furthermore, the Val207 residue is not conserved in mammals suggesting a misse nse variant may be less impactful of protein function. In summary, based on func tional studies, lack of conservation and high allele frequencies in the general population, this variant is likely benign.

PreventionGenetics, part of Exact Sciences
Classification: Likely benign for KCNQ1-related condition. Last evaluated: 2023-06-13. Review status: no assertion criteria provided. Collection method: clinical testing. Allele origin: germline. Not counted in ClinVar's aggregate classification.
Comment: This variant is classified as likely benign based on ACMG/AMP sequence variant interpretation guidelines (Richards et al. 2015 PMID: 25741868, with internal and published modifications).

Cardiovascular Biomedical Research Unit, Royal Brompton & Harefield NHS Foundation Trust
No classification provided. Review status: no classification provided. Collection method: literature only. Allele origin: germline. Not counted in ClinVar's aggregate classification.
Comment: This variant has been reported in the following publications (PMID:14661677;PMID:19198868;PMID:19841300).

Clinical Genetics, Academic Medical Center
Classification: Likely benign. Review status: no assertion criteria provided. Collection method: clinical testing. Allele origin: germline. Affected: yes. Study: VKGL Data-share Consensus. Not counted in ClinVar's aggregate classification.

Genome Diagnostics Laboratory, University Medical Center Utrecht
Classification: Likely benign. Review status: no assertion criteria provided. Collection method: clinical testing. Allele origin: germline. Affected: yes. Study: VKGL Data-share Consensus. Not counted in ClinVar's aggregate classification.

Literature cited by the submitters: PubMed 14661677 (cited by Laboratory for Molecular Medicine, Mass General Brigham Personalized Medicine and Cardiovascular Biomedical Research Unit, Royal Brompton & Harefield NHS Foundation Trust); PubMed 19198868 (cited by Laboratory for Molecular Medicine, Mass General Brigham Personalized Medicine and Cardiovascular Biomedical Research Unit, Royal Brompton & Harefield NHS Foundation Trust); PubMed 20421371 (cited by Laboratory for Molecular Medicine, Mass General Brigham Personalized Medicine); PubMed 19841300 (cited by Cardiovascular Biomedical Research Unit, Royal Brompton & Harefield NHS Foundation Trust); PubMed 22581653 (cited by Cardiovascular Biomedical Research Unit, Royal Brompton & Harefield NHS Foundation Trust).

NM_000218.3(KCNQ1):c.619G>A (p.Val207Met)

Gene: KCNQ1 (potassium voltage-gated channel subfamily Q member 1; plus strand). Cytogenetic location: 11p15.5.
Variant type: single nucleotide variant.
Coding change: c.619G>A on transcript NM_000218.3 (MANE Select); coding-DNA position 619, G replaced by A.
Protein change: p.Val207Met; replaces valine 207 with methionine.
Molecular consequence: missense variant.
Genome position (GRCh38, 1-based): chr11:2,571,339, G>A. VCF-style: chr11-2571339-G-A. GRCh37 (hg19) VCF-style: chr11-2592569-G-A.
Other names: p.V207M:GTG>ATG; c.619G>A, p.Val207Met (NM_001406836.1); c.349G>A, p.Val117Met (NM_001406837.1); c.238G>A, p.Val80Met (NM_181798.2); c.619G>A (LRG_287t1); short protein forms V207M, V80M, V117M.
Identifiers: ClinVar variation 42492 (VCV000042492.33), dbSNP rs75813654, ClinGen allele CA007786.
Genomic context (GRCh38, chr11:2,571,339, plus strand): 5'-TGGCTGTGGCGATCACGAAAAGCTCCCCCTCTCCTGCACTCCACAGACCTCATCGTGGTC[G>A]TGGCCTCCATGGTGGTCCTCTGCGTGGGCTCCAAGGGGCAGGTGTTTGCCACGTCGGCCA-3'
Protein context (NP_000209.2, residues 197-217): PISIIDLIVV[Val207Met]ASMVVLCVGS